The following is an entry in ClinVar:

ClinVar aggregate classification (germline): Likely benign (1 of 4 stars; one submission).

gnomAD v4.1: 6 of 1,611,904 alleles (0.00037%); highest among the groups gnomAD compares: Admixed American, 0.005%; no homozygotes.

Submission:

Molecular Diagnostic Laboratory for Inherited Cardiovascular Disease, Montreal Heart Institute
Classification: Likely benign. Last evaluated: 2026-03-27. Review status: criteria provided, single submitter. Criteria: ACMG Guidelines, 2015. Collection method: clinical testing. Allele origin: germline. Affected: no.
Comment: BP1

NM_001267550.2(TTN):c.18592C>A (p.Pro6198Thr)

Genes: TTN (titin; minus strand), LOC126806430 (BRD4-independent group 4 enhancer GRCh37_chr2:179593794-179594993; plus strand). Cytogenetic location: 2q31.2.
Variant type: single nucleotide variant.
Coding change: c.18592C>A on transcript NM_001267550.2 (MANE Select); coding-DNA position 18592, C replaced by A.
Protein change: p.Pro6198Thr; replaces proline 6198 with threonine.
Molecular consequence: missense variant. On other transcripts: intron variant (3).
Genome position (GRCh38, 1-based): chr2:178,729,564, G>T on the plus strand (C>A on the coding strand, the complement: TTN is on the minus strand). VCF-style: chr2-178729564-G-T. GRCh37 (hg19) VCF-style: chr2-179594291-G-T.
Other names: c.17641C>A, p.Pro5881Thr (NM_001256850.1); c.14860C>A, p.Pro4954Thr (NM_133378.4); c.13282+8518C>A (NM_003319.4); c.13858+8518C>A (NM_133437.4); c.13657+8518C>A (NM_133432.3); short protein forms P4954T, P5881T, P6198T.
Identifiers: ClinVar variation 4820455 (VCV004820455.1), dbSNP rs568964771.